The following is an entry in ClinVar:

ClinVar aggregate classification (germline): Uncertain significance (1 of 4 stars; one submission).

Conditions:
Cardiovascular phenotype. Identifiers: MedGen CN230736.
Hereditary cancer-predisposing syndrome. Also called: Neoplastic Syndromes, Hereditary; Tumor predisposition; Hereditary Cancer Syndrome; Hereditary neoplastic syndrome. Identifiers: Orphanet 140162, MedGen C0027672, MeSH D009386, MONDO:0015356.

Submission:

Ambry Genetics
Classification: Uncertain significance for Cardiovascular phenotype; Hereditary cancer-predisposing syndrome. Last evaluated: 2025-11-21. Review status: criteria provided, single submitter. Criteria: Ambry Variant Classification Scheme 2023. Collection method: clinical testing. Allele origin: germline.
Comment: The p.A2368T variant (also known as c.7102G>A), located in coding exon 47 of the NF1 gene, results from a G to A substitution at nucleotide position 7102. The alanine at codon 2368 is replaced by threonine, an amino acid with similar properties. This amino acid position is highly conserved in available vertebrate species. In addition, the in silico prediction for this alteration is inconclusive. Based on the available evidence, the clinical significance of this variant remains unclear.

NM_001042492.3(NF1):c.7165G>A (p.Ala2389Thr)

Gene: NF1 (neurofibromin 1; plus strand). Cytogenetic location: 17q11.2.
Variant type: single nucleotide variant.
Coding change: c.7165G>A on transcript NM_001042492.3 (MANE Select); coding-DNA position 7165, G replaced by A.
Protein change: p.Ala2389Thr; replaces alanine 2389 with threonine.
Molecular consequence: missense variant.
Genome position (GRCh38, 1-based): chr17:31,343,111, G>A. VCF-style: chr17-31343111-G-A. GRCh37 (hg19) VCF-style: chr17-29670129-G-A.
Other names: c.7102G>A, p.Ala2368Thr (NM_000267.4); short protein forms A2368T, A2389T.
Identifiers: ClinVar variation 4615812 (VCV004615812.1).
Genomic context (GRCh38, chr17:31,343,111, plus strand): 5'-TGGCACTGCAAGCAAATGGATCATTTTGTTGGACTCAATTTCAACTCTAACTTTAACTTT[G>A]CATTGGTTGGACACCTTTTAAAAGGTAAAAAAGCCTTATTTAGAATATTTTTATGAAGTA-3'
Protein context (NP_001035957.1, residues 2379-2399): GLNFNSNFNF[Ala2389Thr]LVGHLLKGYR